The following is an entry in ClinVar:

NM_001370100.5(ZMYND11):c.697+2T>A

Gene: ZMYND11 (zinc finger MYND-type containing 11; plus strand). Cytogenetic location: 10p15.3.
Variant type: single nucleotide variant.
Coding change: c.697+2T>A on transcript NM_001370100.5 (MANE Select); the canonical splice donor site of the intron after coding-DNA position 697, T replaced by A.
Molecular consequence: splice donor variant. On other transcripts: intron variant (2).
Genome position (GRCh38, 1-based): chr10:239,527, T>A. VCF-style: chr10-239527-T-A. GRCh37 (hg19) VCF-style: chr10-285467-T-A.
Other names: c.535+2T>A (NM_001370103.2, NM_001370104.2, NM_001370105.2 and 8 more transcripts); c.697+2T>A (NM_006624.7, NM_001370119.2, NM_001370098.2 and 8 more transcripts); c.577+2T>A (NM_001370118.2); c.604+2T>A (NM_001370113.2, NM_001370114.2); c.646+2T>A (NM_001330057.3, NM_001370112.2); c.448-1366T>A (NM_001370122.2); c.442+2T>A (NM_001202465.3, NM_001370110.2); c.631+2T>A (NM_001370116.2); and 4 more.
Identifiers: ClinVar variation 3334834 (VCV003334834.1).
Genomic context (GRCh38, chr10:239,527, plus strand): 5'-TGAAGAGTTCAAAGCTGATGCCCAATTGCTTCTCCACAATACCGTGATTTTCTATGGAGG[T>A]TGAATATTTTTGTTTTTTTTGTATGCATTTTTAAACACACCATTTACATTCCATGTTGAA-3'

ClinVar aggregate classification (germline): Likely pathogenic (1 of 4 stars; one submission).

Conditions:
Inborn genetic diseases. Identifiers: MedGen C0950123, MeSH D030342.

Submission:

Ambry Genetics
Classification: Likely pathogenic for Inborn genetic diseases. Last evaluated: 2024-06-11. Review status: criteria provided, single submitter. Criteria: Ambry Variant Classification Scheme 2023. Collection method: clinical testing. Allele origin: germline.
Comment: The c.697+2T>A intronic variant results from a T to A substitution two nucleotide(s) after coding exon 6 of the ZMYND11 gene. Alterations that disrupt the canonical splice site are expected to cause aberrant splicing, resulting in an abnormal protein or a transcript that is subject to nonsense-mediated mRNA decay. This variant was not reported in population-based cohorts in the Genome Aggregation Database (gnomAD). This nucleotide position is highly conserved in available vertebrate species. In silico splice site analysis predicts that this alteration will weaken the native splice donor site and may result in the creation or strengthening of a novel splice donor site. Based on the available evidence, this alteration is classified as likely pathogenic.